The following is an entry in ClinVar:

NM_001378454.1(ALMS1):c.528T>A (p.Asn176Lys)

Gene: ALMS1 (ALMS1 centrosome and basal body associated protein; plus strand). Cytogenetic location: 2p13.1.
Variant type: single nucleotide variant.
Coding change: c.528T>A on transcript NM_001378454.1 (MANE Select); coding-DNA position 528, T replaced by A.
Protein change: p.Asn176Lys; replaces asparagine 176 with lysine.
Molecular consequence: missense variant.
Genome position (GRCh38, 1-based): chr2:73,419,200, T>A. VCF-style: chr2-73419200-T-A. GRCh37 (hg19) VCF-style: chr2-73646328-T-A.
Other names: c.531T>A, p.Asn177Lys (NM_015120.4); short protein forms N177K, N176K.
Identifiers: ClinVar variation 2142549 (VCV002142549.2), dbSNP rs1671238532, ClinGen allele CA347259004.
Genomic context (GRCh38, chr2:73,419,200, plus strand): 5'-TTGTCTTCCTCAAGAAATGGACTCTTCCCAAACCTTGGATACATCCCAGACTAGGTTTAA[T>A]GTGAGAACGGAAGATACTGAAGTGACAGACTTCCCCTCTCTGGAGGAGGGCATATTGACG-3'
Protein context (NP_001365383.1, residues 166-186): QTLDTSQTRF[Asn176Lys]VRTEDTEVTD

ClinVar aggregate classification (germline): Uncertain significance (1 of 4 stars; one submission).

Conditions:
Alstrom syndrome (ALMS). Identifiers: Orphanet 64, MedGen C0268425, MONDO:0008763, OMIM 203800.

Allele frequency attached by ClinVar (database versions not stated): gnomAD exomes below 0.00001; gnomAD 0.00001.
gnomAD v4.1: 4 of 1,613,910 alleles (0.00025%); highest among the groups gnomAD compares: Admixed American, 0.0067%; no homozygotes.

Submission:

Labcorp Genetics (formerly Invitae), Labcorp
Classification: Uncertain significance for Alstrom syndrome. Last evaluated: 2024-10-18. Review status: criteria provided, single submitter. Criteria: Invitae Variant Classification Sherloc (09022015). Collection method: clinical testing. Allele origin: germline.
Comment: This sequence change replaces asparagine with lysine at codon 177 of the ALMS1 protein (p.Asn177Lys). The asparagine residue is weakly conserved and there is a moderate physicochemical difference between asparagine and lysine. This variant is not present in population databases (gnomAD no frequency). This variant has not been reported in the literature in individuals affected with ALMS1-related conditions. ClinVar contains an entry for this variant (Variation ID: 2142549). Experimental studies and prediction algorithms are not available or were not evaluated, and the functional significance of this variant is currently unknown. In summary, the available evidence is currently insufficient to determine the role of this variant in disease. Therefore, it has been classified as a Variant of Uncertain Significance.